The following is an entry in ClinVar:

NM_001377229.1(DISP1):c.3482G>T (p.Ser1161Ile)

Gene: DISP1 (dispatched RND transporter family member 1; plus strand). Cytogenetic location: 1q41.
Variant type: single nucleotide variant.
Coding change: c.3482G>T on transcript NM_001377229.1 (MANE Select); coding-DNA position 3482, G replaced by T.
Protein change: p.Ser1161Ile; replaces serine 1161 with isoleucine.
Molecular consequence: missense variant.
Genome position (GRCh38, 1-based): chr1:223,004,879, G>T. VCF-style: chr1-223004879-G-T. GRCh37 (hg19) VCF-style: chr1-223178221-G-T.
Other names: c.2753G>T, p.Ser918Ile (NM_001350630.2); c.3482G>T, p.Ser1161Ile (NM_001369594.1, NM_001377228.1, NM_032890.5); short protein forms S1161I, S918I.
Identifiers: ClinVar variation 4731026 (VCV004731026.1).

ClinVar aggregate classification (germline): Uncertain significance (1 of 4 stars; one submission).

Submission:

Labcorp Genetics (formerly Invitae), Labcorp
Classification: Uncertain significance. Last evaluated: 2025-11-27. Review status: criteria provided, single submitter. Criteria: Invitae Variant Classification Sherloc (09022015). Collection method: clinical testing. Allele origin: germline.
Comment: This sequence change replaces serine, which is neutral and polar, with isoleucine, which is neutral and non-polar, at codon 1161 of the DISP1 protein (p.Ser1161Ile). This variant is not present in population databases (gnomAD no frequency). This variant has not been reported in the literature in individuals affected with DISP1-related conditions. An algorithm developed to predict the effect of missense changes on protein structure and function (PolyPhen-2) suggests that this variant is likely to be tolerated. In summary, the available evidence is currently insufficient to determine the role of this variant in disease. Therefore, it has been classified as a Variant of Uncertain Significance.